The following is an entry in ClinVar:

NM_001378418.1(TCF20):c.81A>G (p.Leu27=)

Gene: TCF20 (transcription factor 20; minus strand). Cytogenetic location: 22q13.2.
Variant type: single nucleotide variant.
Coding change: c.81A>G on transcript NM_001378418.1 (MANE Select); coding-DNA position 81, A replaced by G.
Protein change: p.Leu27=; no amino-acid change (leucine 27 retained).
Molecular consequence: synonymous variant.
Genome position (GRCh38, 1-based): chr22:42,215,225, T>C on the plus strand (A>G on the coding strand, the complement: TCF20 is on the minus strand). VCF-style: chr22-42215225-T-C. GRCh37 (hg19) VCF-style: chr22-42611231-T-C.
Other names: c.81A>G, p.Leu27= (NM_005650.4, NM_181492.3).
Identifiers: ClinVar variation 3771012 (VCV003771012.13).

ClinVar aggregate classification (germline): Likely benign (1 of 4 stars; one submission).

gnomAD v4.1: 3 of 1,614,214 alleles (0.00019%); highest among the groups gnomAD compares: South Asian, 0.0033%; no homozygotes.

Submission:

CeGaT Center for Human Genetics Tuebingen
Classification: Likely benign. Last evaluated: 2024-12-01. Review status: criteria provided, single submitter. Criteria: CeGaT Center For Human Genetics Tuebingen Variant Classification Criteria Version 2. Collection method: clinical testing. Allele origin: germline. Affected: yes. Observed: 1 variant allele.
Comment: TCF20: BP4, BP7